The following is an entry in ClinVar:

ClinVar aggregate classification (germline): Uncertain significance. Review status: criteria provided, multiple submitters, no conflicts (2 of 4 stars). 2 submissions from 2 submitters: Uncertain significance (2). Last evaluated 2025-07-06.

Conditions:
Hereditary cancer-predisposing syndrome. Also called: Hereditary Cancer Syndrome; Neoplastic Syndromes, Hereditary; Tumor predisposition; Hereditary neoplastic syndrome. Identifiers: Orphanet 140162, MedGen C0027672, MeSH D009386, MONDO:0015356.
EGFR-related lung cancer (EGFR). Identifiers: MedGen CN130014.

gnomAD v4.1: 18 of 1,614,178 alleles (0.0011%); highest among the groups gnomAD compares: Admixed American, 0.0083%; no homozygotes.

Submissions (2):

Ambry Genetics
Classification: Uncertain significance for Hereditary cancer-predisposing syndrome. Last evaluated: 2025-07-06. Review status: criteria provided, single submitter. Criteria: Ambry Variant Classification Scheme 2023. Collection method: clinical testing. Allele origin: germline.
Comment: The p.I586T variant (also known as c.1757T>C), located in coding exon 15 of the EGFR gene, results from a T to C substitution at nucleotide position 1757. The isoleucine at codon 586 is replaced by threonine, an amino acid with similar properties. This amino acid position is conserved. In addition, this alteration is predicted to be tolerated by in silico analysis. Based on the available evidence, the clinical significance of this variant remains unclear.

Labcorp Genetics (formerly Invitae), Labcorp
Classification: Uncertain significance for EGFR-related lung cancer. Last evaluated: 2024-05-26. Review status: criteria provided, single submitter. Criteria: Invitae Variant Classification Sherloc (09022015). Collection method: clinical testing. Allele origin: germline.
Comment: This sequence change replaces isoleucine, which is neutral and non-polar, with threonine, which is neutral and polar, at codon 586 of the EGFR protein (p.Ile586Thr). This variant is present in population databases (rs542237406, gnomAD 0.006%). This variant has not been reported in the literature in individuals affected with EGFR-related conditions. Advanced modeling of protein sequence and biophysical properties (such as structural, functional, and spatial information, amino acid conservation, physicochemical variation, residue mobility, and thermodynamic stability) performed at Invitae indicates that this missense variant is not expected to disrupt EGFR protein function with a negative predictive value of 80%. In summary, the available evidence is currently insufficient to determine the role of this variant in disease. Therefore, it has been classified as a Variant of Uncertain Significance.

NM_005228.5(EGFR):c.1757T>C (p.Ile586Thr)

Gene: EGFR (epidermal growth factor receptor; plus strand). Cytogenetic location: 7p11.2.
Variant type: single nucleotide variant.
Coding change: c.1757T>C on transcript NM_005228.5 (MANE Select); coding-DNA position 1757, T replaced by C.
Protein change: p.Ile586Thr; replaces isoleucine 586 with threonine.
Molecular consequence: missense variant.
Genome position (GRCh38, 1-based): chr7:55,165,314, T>C. VCF-style: chr7-55165314-T-C. GRCh37 (hg19) VCF-style: chr7-55233007-T-C.
Other names: c.1622T>C, p.Ile541Thr (NM_001346897.2, NM_001346899.2); c.1757T>C, p.Ile586Thr (NM_001346898.2, NM_201282.2, NM_201284.2); c.1598T>C, p.Ile533Thr (NM_001346900.2); c.956T>C, p.Ile319Thr (NM_001346941.2); short protein forms I319T, I533T, I541T, I586T.
Identifiers: ClinVar variation 3617406 (VCV003617406.2).
Genomic context (GRCh38, chr7:55,165,314, plus strand): 5'-GAACATTTTTCTCCACCTTGGTGCAGGGACCAGACAACTGTATCCAGTGTGCCCACTACA[T>C]TGACGGCCCCCACTGCGTCAAGACCTGCCCGGCAGGAGTCATGGGAGAAAACAACACCCT-3'
Protein context (NP_005219.2, residues 576-596): PDNCIQCAHY[Ile586Thr]DGPHCVKTCP